The following is an entry in ClinVar:

ClinVar aggregate classification (germline): Uncertain significance (1 of 4 stars; one submission).

Submission:

Labcorp Genetics (formerly Invitae), Labcorp
Classification: Uncertain significance. Last evaluated: 2021-12-19. Review status: criteria provided, single submitter. Criteria: Invitae Variant Classification Sherloc (09022015). Collection method: clinical testing. Allele origin: germline.
Comment: This variant is not present in population databases (gnomAD no frequency). In summary, the available evidence is currently insufficient to determine the role of this variant in disease. Therefore, it has been classified as a Variant of Uncertain Significance. Algorithms developed to predict the effect of missense changes on protein structure and function are either unavailable or do not agree on the potential impact of this missense change (SIFT: "Deleterious"; PolyPhen-2: "Benign"; Align-GVGD: "Class C0"). This variant has not been reported in the literature in individuals affected with NSMCE3-related conditions. This sequence change replaces threonine, which is neutral and polar, with asparagine, which is neutral and polar, at codon 192 of the NSMCE3 protein (p.Thr192Asn).

NM_138704.4(NSMCE3):c.575C>A (p.Thr192Asn)

Genes: ENTREP2 (endosomal transmembrane epsin interactor 2; minus strand), NSMCE3 (NSE3 component of SMC5/6 complex; minus strand). Cytogenetic location: 15q13.1.
Variant type: single nucleotide variant.
Coding change: c.575C>A on transcript NM_138704.4 (MANE Select); coding-DNA position 575, C replaced by A.
Protein change: p.Thr192Asn; replaces threonine 192 with asparagine.
Molecular consequence: missense variant. On other transcripts: intron variant (5).
Genome position (GRCh38, 1-based): chr15:29,269,131, G>T on the plus strand (C>A on the coding strand, the complement: NSMCE3 is on the minus strand). VCF-style: chr15-29269131-G-T. GRCh37 (hg19) VCF-style: chr15-29561335-G-T.
Other names: c.-12-16653C>A (NM_001387217.1, NM_001387215.1, NM_001387216.1); c.277-16653C>A (NM_001387214.1, NM_015307.2); short protein forms T192N.
Identifiers: ClinVar variation 2047602 (VCV002047602.4), dbSNP rs2543796821, ClinGen allele CA391483954.